The following is an entry in ClinVar:

NM_000268.4(NF2):c.*2077C>T

Gene: NF2 (NF2, moesin-ezrin-radixin like (MERLIN) tumor suppressor; plus strand). Cytogenetic location: 22q12.2.
Variant type: single nucleotide variant.
Coding change: c.*2077C>T on transcript NM_000268.4 (MANE Select); 2077 bases downstream of the stop codon, C replaced by T.
Molecular consequence: 3 prime UTR variant. On other transcripts: non-coding transcript variant (1).
Genome position (GRCh38, 1-based): chr22:29,696,879, C>T. VCF-style: chr22-29696879-C-T. GRCh37 (hg19) VCF-style: chr22-30092868-C-T.
Other names: c.*2137C>T (NM_016418.5, NM_181828.3, NM_181829.3 and 1 more transcripts); c.*2152C>T (NM_181832.3); c.*2077C>T (NM_181833.3).
Identifiers: ClinVar variation 902935 (VCV000902935.4), dbSNP rs144993615, ClinGen allele CA323129495.

ClinVar aggregate classification (germline): Benign (1 of 4 stars; one submission).

Conditions:
Neurofibromatosis, type 2 (SWNV). Also called: SCHWANNOMATOSIS, VESTIBULAR; BILATERAL ACOUSTIC NEUROFIBROMATOSIS; NF2-Related Schwannomatosis. Identifiers: Orphanet 637, MedGen C0027832, MONDO:0007039, OMIM 101000. Disease mechanism: loss of function.

Allele frequency attached by ClinVar (database versions not stated): 1000 Genomes Project 30x 0.00031; gnomAD exomes 0.00031; 1000 Genomes Project 0.00040.
gnomAD v4.1: 49 of 176,934 alleles (0.028%); highest among the groups gnomAD compares: African/African-American, 0.066%; no homozygotes.

Submission:

Illumina Laboratory Services, Illumina
Classification: Benign for Neurofibromatosis, type 2. Last evaluated: 2018-01-13. Review status: criteria provided, single submitter. Criteria: ICSL Variant Classification Criteria 13 December 2019. Collection method: clinical testing. Allele origin: germline.
Comment: This variant was observed in the ICSL laboratory as part of a predisposition screen in an ostensibly healthy population. It had not been previously curated by ICSL or reported in the Human Gene Mutation Database (HGMD: prior to June 1st, 2018), and was therefore a candidate for classification through an automated scoring system. Utilizing variant allele frequency, disease prevalence and penetrance estimates, and inheritance mode, an automated score was calculated to assess if this variant is too frequent to cause the disease. Based on the score and internal cut-off values, a variant classified as benign is not then subjected to further curation. The score for this variant resulted in a classification of benign for this disease.